The following is an entry in ClinVar:

ClinVar aggregate classification (germline): Pathogenic (1 of 4 stars; one submission).

Conditions:
Lymphoproliferative syndrome 1 (LPFS1). Identifiers: Orphanet 238505, Orphanet 538963, MedGen C3552634, MONDO:0013081, OMIM 613011.

Submission:

Labcorp Genetics (formerly Invitae), Labcorp
Classification: Pathogenic for Lymphoproliferative syndrome 1. Last evaluated: 2022-01-21. Review status: criteria provided, single submitter. Criteria: Invitae Variant Classification Sherloc (09022015). Collection method: clinical testing. Allele origin: germline.
Comment: This sequence change creates a premature translational stop signal (p.Asp127Valfs*138) in the ITK gene. It is expected to result in an absent or disrupted protein product. Loss-of-function variants in ITK are known to be pathogenic (PMID: 16860760, 22289921, 26056787). This variant is not present in population databases (gnomAD no frequency). This variant has not been reported in the literature in individuals affected with ITK-related conditions. Algorithms developed to predict the effect of sequence changes on RNA splicing suggest that this variant may create or strengthen a splice site. For these reasons, this variant has been classified as Pathogenic.

Literature cited by the submitters: PubMed 16860760; PubMed 22289921; PubMed 26056787.

NM_005546.4(ITK):c.380del (p.Asp127fs)

Gene: ITK (IL2 inducible T cell kinase; plus strand). Cytogenetic location: 5q33.3.
Variant type: Deletion.
Coding change: c.380del on transcript NM_005546.4 (MANE Select); coding-DNA position 380, one base deleted (A; older notation c.380delA).
Protein change: p.Asp127fs; shifts the reading frame from aspartic acid 127.
Molecular consequence: frameshift variant.
Genome position (GRCh38, 1-based): chr5:157,214,245, A deleted. VCF-style (leftmost placement, unchanged base first): chr5-157214244-GA-G. GRCh37 (hg19) VCF-style: chr5-156641255-GA-G.
Other names: short protein forms D127fs.
Identifiers: ClinVar variation 2088804 (VCV002088804.4), dbSNP rs2480559806, ClinGen allele CA2580073937.